The following is an entry in ClinVar:

ClinVar aggregate classification (germline): Likely benign (1 of 4 stars; one submission).

Allele frequency attached by ClinVar (database versions not stated): 1000 Genomes Project 30x 0.00016; 1000 Genomes Project 0.00020; ESP Exome Variant Server 0.00092; gnomAD 0.00073; TOPMed 0.00085; gnomAD exomes 0.00067; ExAC 0.00093.
gnomAD v4.1: 1,176 of 1,612,936 alleles (0.073%); highest among the groups gnomAD compares: Admixed American, 0.09%; 10 homozygotes.

Submission:

CeGaT Center for Human Genetics Tuebingen
Classification: Likely benign. Last evaluated: 2026-05-01. Review status: criteria provided, single submitter. Criteria: CeGaT Center For Human Genetics Tuebingen Variant Classification Criteria Version 2. Collection method: clinical testing. Allele origin: germline. Affected: yes. Observed: 34 variant alleles.
Comment: FNTB: BP4, BP7; MAX: BS1

NM_002028.4(FNTB):c.915G>A (p.Ala305=)

Genes: CHURC1-FNTB (CHURC1-FNTB readthrough; plus strand), FNTB (farnesyltransferase, CAAX box, subunit beta; plus strand), MAX (MYC associated transcriptional regulator X; minus strand). Cytogenetic location: 14q23.3.
Variant type: single nucleotide variant.
Coding change: c.915G>A on transcript NM_002028.4 (MANE Select); coding-DNA position 915, G replaced by A.
Protein change: p.Ala305=; no amino-acid change (alanine 305 retained).
Molecular consequence: synonymous variant. On other transcripts: intron variant (2).
Genome position (GRCh38, 1-based): chr14:65,044,403, G>A. VCF-style: chr14-65044403-G-A. GRCh37 (hg19) VCF-style: chr14-65511121-G-A.
Other names: c.777G>A, p.Ala259= (NM_001202558.2); c.1098G>A, p.Ala366= (NM_001202559.1); c.145-38119C>T (NM_001271069.2); c.172-38119C>T (NM_197957.4).
Identifiers: ClinVar variation 2644328 (VCV002644328.22), dbSNP rs138494513, ClinGen allele CA7232606.